The following is an entry in ClinVar:

NM_024529.5(CDC73):c.26G>T (p.Arg9Leu)

Gene: CDC73 (cell division cycle 73; plus strand). Cytogenetic location: 1q31.2.
Variant type: single nucleotide variant.
Coding change: c.26G>T on transcript NM_024529.5 (MANE Select); coding-DNA position 26, G replaced by T.
Protein change: p.Arg9Leu; replaces arginine 9 with leucine.
Molecular consequence: missense variant.
Genome position (GRCh38, 1-based): chr1:193,122,226, G>T. VCF-style: chr1-193122226-G-T. GRCh37 (hg19) VCF-style: chr1-193091356-G-T.
Other names: short protein forms R9L.
Identifiers: ClinVar variation 3664317 (VCV003664317.2).

ClinVar aggregate classification (germline): Uncertain significance (1 of 4 stars; one submission).

Conditions:
Parathyroid carcinoma (PRTC). Also called: CDC73-Related Parathyroid Carcinoma; Parathyroid gland carcinoma. Identifiers: Orphanet 143, MedGen C0687150, MONDO:0012004, OMIM 608266, HP:0006780.

Submission:

Labcorp Genetics (formerly Invitae), Labcorp
Classification: Uncertain significance for Parathyroid carcinoma. Last evaluated: 2024-09-03. Review status: criteria provided, single submitter. Criteria: Invitae Variant Classification Sherloc (09022015). Collection method: clinical testing. Allele origin: germline.
Comment: This sequence change replaces arginine, which is basic and polar, with leucine, which is neutral and non-polar, at codon 9 of the CDC73 protein (p.Arg9Leu). This variant is not present in population databases (gnomAD no frequency). This variant has not been reported in the literature in individuals affected with CDC73-related conditions. Invitae Evidence Modeling of protein sequence and biophysical properties (such as structural, functional, and spatial information, amino acid conservation, physicochemical variation, residue mobility, and thermodynamic stability) indicates that this missense variant is expected to disrupt CDC73 protein function with a positive predictive value of 80%. In summary, the available evidence is currently insufficient to determine the role of this variant in disease. Therefore, it has been classified as a Variant of Uncertain Significance.